The following is an entry in ClinVar:

ClinVar aggregate classification (germline): Benign/Likely benign. Review status: criteria provided, multiple submitters, no conflicts (2 of 4 stars). 7 submissions from 7 submitters: Benign (3); Likely benign (3). 1 of the submissions does not count toward it. Last evaluated 2025-12-01.

Conditions:
OTOA-related disorder. Also called: OTOA-related condition.
Nonsyndromic genetic hearing loss. Also called: Nonsyndromic genetic deafness; Non-syndromic genetic deafness; Nonsyndromic hearing loss and deafness. Identifiers: Orphanet 87884, MedGen C5680182, MONDO:0019497.

Allele frequency attached by ClinVar (database versions not stated): 1000 Genomes Project 30x 0.00031; 1000 Genomes Project 0.00040; ESP Exome Variant Server 0.00131; TOPMed 0.00141; gnomAD 0.00192 and 0.00199; gnomAD exomes 0.00218; ExAC 0.00227.
gnomAD v4.1: 3,504 of 1,614,006 alleles (0.22%); highest among the groups gnomAD compares: Non-Finnish European, 0.25%; 13 homozygotes.

Submissions (7):

CeGaT Center for Human Genetics Tuebingen
Classification: Likely benign. Last evaluated: 2025-12-01. Review status: criteria provided, single submitter. Criteria: CeGaT Center For Human Genetics Tuebingen Variant Classification Criteria Version 2. Collection method: clinical testing. Allele origin: germline. Affected: yes. Observed: 3 variant alleles.
Comment: OTOA: BP4, BS2

Labcorp Genetics (formerly Invitae), Labcorp
Classification: Benign. Last evaluated: 2025-10-27. Review status: criteria provided, single submitter. Criteria: Invitae Variant Classification Sherloc (09022015). Collection method: clinical testing. Allele origin: germline.

Blueprint Genetics
Classification: Likely benign. Last evaluated: 2024-10-31. Review status: criteria provided, single submitter. Criteria: ACMG Guidelines, 2015. Collection method: clinical testing. Allele origin: germline.

Department of Pathology and Laboratory Medicine, Sinai Health System
Classification: Likely benign for nonsyndromic genetic hearing loss. Last evaluated: 2021-03-19. Review status: criteria provided, single submitter. Criteria: ACMG Guidelines, 2015. Collection method: research. Allele origin: germline.

GeneDx
Classification: Benign. Last evaluated: 2018-08-31. Review status: criteria provided, single submitter. Criteria: GeneDx Variant Classification Process June 2021. Collection method: clinical testing. Allele origin: germline. Affected: yes.

Laboratory for Molecular Medicine, Mass General Brigham Personalized Medicine
Classification: Benign. Last evaluated: 2017-06-13. Review status: criteria provided, single submitter. Criteria: LMM Criteria. Collection method: clinical testing. Allele origin: germline. Observed: 1 variant allele.
Comment: p.Val508Met in exon 14 of OTOA: This variant is not expected to have clinical si gnificance because it has been identified in 0.6% (150/25792) of Finnish and 0.3 3% (423/126554) European chromosomes including 3 homozygotes by the Genome Aggre gation Database (gnomAD; dbSNP rs150415498).

PreventionGenetics, part of Exact Sciences
Classification: Likely benign for OTOA-related condition. Last evaluated: 2020-06-05. Review status: no assertion criteria provided. Collection method: clinical testing. Allele origin: germline. Not counted in ClinVar's aggregate classification.
Comment: This variant is classified as likely benign based on ACMG/AMP sequence variant interpretation guidelines (Richards et al. 2015 PMID: 25741868, with internal and published modifications).

NM_144672.4(OTOA):c.1522G>A (p.Val508Met)

Gene: OTOA (otoancorin). Cytogenetic location: 16p12.2.
Variant type: single nucleotide variant.
Coding change: c.1522G>A on transcript NM_144672.4 (MANE Select); coding-DNA position 1522, G replaced by A.
Protein change: p.Val508Met; replaces valine 508 with methionine.
Molecular consequence: missense variant.
Genome position (GRCh38, 1-based): chr16:21,716,940, G>A. VCF-style: chr16-21716940-G-A. GRCh37 (hg19) VCF-style: chr16-21728261-G-A.
Other names: c.1285G>A, p.Val429Met (NM_001161683.2); c.550G>A, p.Val184Met (NM_170664.3); short protein forms V508M, V184M, V429M.
Identifiers: ClinVar variation 504520 (VCV000504520.47), dbSNP rs150415498, ClinGen allele CA7952674.